The following is an entry in ClinVar:

ClinVar aggregate classification (germline): Uncertain significance (1 of 4 stars; one submission).

Conditions:
Inborn genetic diseases. Identifiers: MedGen C0950123, MeSH D030342.

Submission:

Ambry Genetics
Classification: Uncertain significance for Inborn genetic diseases. Last evaluated: 2025-12-27. Review status: criteria provided, single submitter. Criteria: Ambry Variant Classification Scheme 2023. Collection method: clinical testing. Allele origin: germline.
Comment: The p.G1117R variant (also known as c.3349G>C), located in coding exon 19 of the RECQL4 gene, results from a G to C substitution at nucleotide position 3349. The glycine at codon 1117 is replaced by arginine, an amino acid with dissimilar properties. This amino acid position is conserved. Based on the available evidence, the clinical significance of this variant remains unclear.

NM_004260.4(RECQL4):c.3349G>C (p.Gly1117Arg)

Gene: RECQL4 (RecQ like helicase 4; minus strand). Cytogenetic location: 8q24.3.
Variant type: single nucleotide variant.
Coding change: c.3349G>C on transcript NM_004260.4 (MANE Select); coding-DNA position 3349, G replaced by C.
Protein change: p.Gly1117Arg; replaces glycine 1117 with arginine.
Molecular consequence: missense variant. On other transcripts: non-coding transcript variant (3).
Genome position (GRCh38, 1-based): chr8:144,511,955, C>G on the plus strand (G>C on the coding strand, the complement: RECQL4 is on the minus strand). VCF-style: chr8-144511955-C-G. GRCh37 (hg19) VCF-style: chr8-145737338-C-G.
Other names: c.2278G>C, p.Gly760Arg (NM_001413022.1, NM_001413024.1, NM_001413028.1 and 4 more transcripts); c.2353G>C, p.Gly785Arg (NM_001413023.1); c.3220G>C, p.Gly1074Arg (NM_001413025.1); c.2212G>C, p.Gly738Arg (NM_001413027.1, NM_001413030.1, NM_001413032.1); c.2998G>C, p.Gly1000Arg (NM_001413029.1); c.2080G>C, p.Gly694Arg (NM_001413031.1, NM_001413038.1); c.3217G>C, p.Gly1073Arg (NM_001413033.1); c.3349G>C, p.Gly1117Arg (NM_001413036.1); and 9 more; short protein forms G1073R, G1074R, G1085R, G1117R, G628R, G716R, G738R, G760R.
Identifiers: ClinVar variation 4841569 (VCV004841569.1).